The following is an entry in ClinVar:

NM_201384.3(PLEC):c.3866A>T (p.Tyr1289Phe)

Gene: PLEC (plectin; minus strand). Cytogenetic location: 8q24.3.
Variant type: single nucleotide variant.
Coding change: c.3866A>T on transcript NM_201384.3 (MANE Select); coding-DNA position 3866, A replaced by T.
Protein change: p.Tyr1289Phe; replaces tyrosine 1289 with phenylalanine.
Molecular consequence: missense variant.
Genome position (GRCh38, 1-based): chr8:143,927,056, T>A on the plus strand (A>T on the coding strand, the complement: PLEC is on the minus strand). VCF-style: chr8-143927056-T-A. GRCh37 (hg19) VCF-style: chr8-145001224-T-A.
Other names: c.3947A>T, p.Tyr1316Phe (NM_000445.5); c.3824A>T, p.Tyr1275Phe (NM_201378.4); c.3800A>T, p.Tyr1267Phe (NM_201379.3); c.4277A>T, p.Tyr1426Phe (NM_201380.4); c.3770A>T, p.Tyr1257Phe (NM_201381.3); c.3866A>T, p.Tyr1289Phe (NM_201382.4); c.3878A>T, p.Tyr1293Phe (NM_201383.3); short protein forms Y1289F, Y1316F, Y1257F, Y1267F, Y1275F, Y1426F, Y1293F.
Identifiers: ClinVar variation 936697 (VCV000936697.9), dbSNP rs782550405, ClinGen allele CA4926870.

ClinVar aggregate classification (germline): Uncertain significance. Review status: criteria provided, multiple submitters, no conflicts (2 of 4 stars). 2 submissions from 2 submitters: Uncertain significance (2). Last evaluated 2024-08-13.

Conditions:
Epidermolysis bullosa simplex 5B, with muscular dystrophy (EBS5B). Also called: EPIDERMOLYSIS BULLOSA SIMPLEX AND LIMB-GIRDLE MUSCULAR DYSTROPHY; Epidermolysis bullosa simplex with muscular dystrophy. Identifiers: Orphanet 257, MedGen C2931072, MONDO:0009181, OMIM 226670.
Epidermolysis bullosa simplex, Ogna type (EBS5A). Also called: Pidermolysis bullosa simplex 5A, Ogna type; EPIDERMOLYSIS BULLOSA SIMPLEX 5A, OGNA TYPE. Identifiers: Orphanet 79401, MedGen C0432317, MONDO:0007555, OMIM 131950.
Epidermolysis bullosa simplex 5C, with pyloric atresia (EBS5C). Also called: Epidermolysis bullosa simplex with pyloric atresia; PLEC-Related Epidermolysis Bullosa with Pyloric Atresia; PLEC1-Related Epidermolysis Bullosa with Pyloric Atresia. Identifiers: Orphanet 158684, MedGen C2677349, MONDO:0012807, OMIM 612138.
Epidermolysis bullosa simplex with nail dystrophy (EBS5D). Identifiers: MedGen C4225309, MONDO:0014661, OMIM 616487.
Autosomal recessive limb-girdle muscular dystrophy type 2Q (LGMDR17). Also called: MUSCULAR DYSTROPHY, LIMB-GIRDLE, AUTOSOMAL RECESSIVE 17. Identifiers: Orphanet 254361, MedGen C3150989, MONDO:0013390, OMIM 613723.

Allele frequency attached by ClinVar (database versions not stated): gnomAD 0.00002; TOPMed 0.00002; gnomAD exomes 0.00003 and 0.00005; ExAC 0.00010.
gnomAD v4.1: 42 of 1,611,784 alleles (0.0026%); highest among the groups gnomAD compares: Non-Finnish European, 0.0029%; no homozygotes.

Submissions (2):

Labcorp Genetics (formerly Invitae), Labcorp
Classification: Uncertain significance for Autosomal recessive limb-girdle muscular dystrophy type 2Q; Epidermolysis bullosa simplex, Ogna type; Epidermolysis bullosa simplex with nail dystrophy; Epidermolysis bullosa simplex 5C, with pyloric atresia; Epidermolysis bullosa simplex 5B, with muscular dystrophy. Last evaluated: 2024-08-13. Review status: criteria provided, single submitter. Criteria: Invitae Variant Classification Sherloc (09022015). Collection method: clinical testing. Allele origin: germline.
Comment: This sequence change replaces tyrosine, which is neutral and polar, with phenylalanine, which is neutral and non-polar, at codon 1316 of the PLEC protein (p.Tyr1316Phe). This variant is present in population databases (rs782550405, gnomAD 0.01%). This variant has not been reported in the literature in individuals affected with PLEC-related conditions. ClinVar contains an entry for this variant (Variation ID: 936697). Advanced modeling of protein sequence and biophysical properties (such as structural, functional, and spatial information, amino acid conservation, physicochemical variation, residue mobility, and thermodynamic stability) has been performed at Invitae for this missense variant, however the output from this modeling did not meet the statistical confidence thresholds required to predict the impact of this variant on PLEC protein function. In summary, the available evidence is currently insufficient to determine the role of this variant in disease. Therefore, it has been classified as a Variant of Uncertain Significance.

Revvity Omics, Revvity
Classification: Uncertain significance. Last evaluated: 2022-03-30. Review status: criteria provided, single submitter. Criteria: ACMG Guidelines, 2015. Collection method: clinical testing. Allele origin: germline.